The following is an entry in ClinVar:

ClinVar aggregate classification (germline): Uncertain significance. Review status: criteria provided, multiple submitters, no conflicts (2 of 4 stars). 2 submissions from 2 submitters: Uncertain significance (2). Last evaluated 2025-12-22.

Allele frequency attached by ClinVar (database versions not stated): gnomAD 0.00001; gnomAD exomes 0.00004.
gnomAD v4.1: 34 of 755,976 alleles (0.0045%); highest among the groups gnomAD compares: Middle Eastern, 0.068%; no homozygotes.

Submissions (2):

Ambry Genetics
Classification: Uncertain significance. Last evaluated: 2025-12-22. Review status: criteria provided, single submitter. Criteria: Ambry Variant Classification Scheme 2023. Collection method: clinical testing. Allele origin: germline.
Comment: The c.394A>G (p.I132V) alteration is located in exon 5 (coding exon 5) of the TOP2B gene. This alteration results from a A to G substitution at nucleotide position 394, causing the isoleucine (I) at amino acid position 132 to be replaced by a valine (V). Based on data from gnomAD, the G allele has an overall frequency of <0.001% (0/86960) total alleles studied. The highest observed frequency was <0.001% (/) of alleles. Based on insufficient or conflicting evidence, the clinical significance of this alteration remains unclear.

Labcorp Genetics (formerly Invitae), Labcorp
Classification: Uncertain significance. Last evaluated: 2025-07-02. Review status: criteria provided, single submitter. Criteria: Invitae Variant Classification Sherloc (09022015). Collection method: clinical testing. Allele origin: germline.
Comment: This sequence change replaces isoleucine, which is neutral and non-polar, with valine, which is neutral and non-polar, at codon 132 of the TOP2B protein (p.Ile132Val). This variant is not present in population databases (gnomAD no frequency). This variant has not been reported in the literature in individuals affected with TOP2B-related conditions. ClinVar contains an entry for this variant (Variation ID: 1357925). An algorithm developed to predict the effect of missense changes on protein structure and function (PolyPhen-2) suggests that this variant is likely to be disruptive. In summary, the available evidence is currently insufficient to determine the role of this variant in disease. Therefore, it has been classified as a Variant of Uncertain Significance.

NM_001330700.2(TOP2B):c.409A>G (p.Ile137Val)

Gene: TOP2B (DNA topoisomerase II beta; minus strand). Cytogenetic location: 3p24.2.
Variant type: single nucleotide variant.
Coding change: c.409A>G on transcript NM_001330700.2 (MANE Select); coding-DNA position 409, A replaced by G.
Protein change: p.Ile137Val; replaces isoleucine 137 with valine.
Molecular consequence: missense variant.
Genome position (GRCh38, 1-based): chr3:25,638,297, T>C on the plus strand (A>G on the coding strand, the complement: TOP2B is on the minus strand). VCF-style: chr3-25638297-T-C. GRCh37 (hg19) VCF-style: chr3-25679788-T-C.
Other names: c.394A>G (NM_001068.2); c.394A>G, p.Ile132Val (NM_001068.3); short protein forms I132V, I137V.
Identifiers: ClinVar variation 1357925 (VCV001357925.7), dbSNP rs1246008535, ClinGen allele CA351913445.
Genomic context (GRCh38, chr3:25,638,297, plus strand): 5'-AAACTTTCTCTACCTTGTGTTCTACTACTGGAATGCCTTTCCCATTATTCCAAATGCTTA[T>C]AATGTTAGATTCACTGTAAAAAAAAAAAAAAAAAAAAAAAAAAAAAAAAAAAAAAGCAGA-3'
Protein context (NP_001317629.1, residues 127-147): KVSIDPESNI[Ile137Val]SIWNNGKGIP